The following is an entry in ClinVar:

ClinVar aggregate classification (germline): Conflicting classifications of pathogenicity. Review status: criteria provided, conflicting classifications (1 of 4 stars). 2 submissions from 2 submitters: Uncertain significance (1); Likely benign (1). Last evaluated 2025-12-11.

Allele frequency attached by ClinVar (database versions not stated): gnomAD exomes below 0.00001 and 0.00001; gnomAD 0.00001; TOPMed 0.00002; 1000 Genomes Project 30x 0.00016; 1000 Genomes Project 0.00020.
gnomAD v4.1: 3 of 1,548,842 alleles (0.00019%); highest among the groups gnomAD compares: Admixed American, 0.0059%; no homozygotes.

Submissions (2):

Labcorp Genetics (formerly Invitae), Labcorp
Classification: Likely benign. Last evaluated: 2025-12-11. Review status: criteria provided, single submitter. Criteria: Invitae Variant Classification Sherloc (09022015). Collection method: clinical testing. Allele origin: germline.

GeneDx
Classification: Uncertain significance. Last evaluated: 2025-07-14. Review status: criteria provided, single submitter. Criteria: GeneDx Variant Classification Process June 2021. Collection method: clinical testing. Allele origin: germline. Affected: yes.
Comment: In silico analysis suggests that this missense variant does not alter protein structure/function; Has not been previously published as pathogenic or benign to our knowledge; Not located in the triple helical region, where the majority of pathogenic missense variants occur (HGMD)

NM_001844.5(COL2A1):c.14G>C (p.Gly5Ala)

Gene: COL2A1 (collagen type II alpha 1 chain; minus strand). Cytogenetic location: 12q13.11.
Variant type: single nucleotide variant.
Coding change: c.14G>C on transcript NM_001844.5 (MANE Select); coding-DNA position 14, G replaced by C.
Protein change: p.Gly5Ala; replaces glycine 5 with alanine.
Molecular consequence: missense variant.
Genome position (GRCh38, 1-based): chr12:48,004,308, C>G on the plus strand (G>C on the coding strand, the complement: COL2A1 is on the minus strand). VCF-style: chr12-48004308-C-G. GRCh37 (hg19) VCF-style: chr12-48398091-C-G.
Other names: c.14G>C, p.Gly5Ala (NM_033150.3); short protein forms G5A.
Identifiers: ClinVar variation 1312842 (VCV001312842.7), dbSNP rs557340983, ClinGen allele CA236497899.